The following is an entry in ClinVar:

ClinVar aggregate classification (germline): Uncertain significance (1 of 4 stars; one submission).

Conditions:
Cardiovascular phenotype. Identifiers: MedGen CN230736.

Allele frequency attached by ClinVar (database versions not stated): TOPMed 0.00001.

Submission:

Ambry Genetics
Classification: Uncertain significance for Cardiovascular phenotype. Last evaluated: 2022-05-06. Review status: criteria provided, single submitter. Criteria: Ambry Variant Classification Scheme 2023. Collection method: clinical testing. Allele origin: germline.
Comment: The c.1685+3G>A intronic variant results from a G to A substitution 3 nucleotides after coding exon 13 in the KCNQ1 gene. This nucleotide position is well conserved in available vertebrate species. In silico splice site analysis predicts that this alteration will not have any significant effect on splicing. Since supporting evidence is limited at this time, the clinical significance of this alteration remains unclear.

NM_000218.3(KCNQ1):c.1685+3G>A

Gene: KCNQ1 (potassium voltage-gated channel subfamily Q member 1; plus strand). Cytogenetic location: 11p15.5.
Variant type: single nucleotide variant.
Coding change: c.1685+3G>A on transcript NM_000218.3 (MANE Select); 3 bases into the intron after coding-DNA position 1685, G replaced by A.
Molecular consequence: intron variant.
Genome position (GRCh38, 1-based): chr11:2,776,057, G>A. VCF-style: chr11-2776057-G-A. GRCh37 (hg19) VCF-style: chr11-2797287-G-A.
Other names: c.1415+3G>A (NM_001406837.1); c.1589+3G>A (NM_001406836.1); c.1145+3G>A (NM_001406838.1); c.1304+3G>A (NM_181798.2).
Identifiers: ClinVar variation 1777978 (VCV001777978.2), dbSNP rs987563600, ClinGen allele CA216320540.